The following is an entry in ClinVar:

NM_004104.5(FASN):c.2284G>A (p.Ala762Thr)

Gene: FASN (fatty acid synthase; minus strand). Cytogenetic location: 17q25.3.
Variant type: single nucleotide variant.
Coding change: c.2284G>A on transcript NM_004104.5 (MANE Select); coding-DNA position 2284, G replaced by A.
Protein change: p.Ala762Thr; replaces alanine 762 with threonine.
Molecular consequence: missense variant.
Genome position (GRCh38, 1-based): chr17:82,088,989, C>T on the plus strand (G>A on the coding strand, the complement: FASN is on the minus strand). VCF-style: chr17-82088989-C-T. GRCh37 (hg19) VCF-style: chr17-80046865-C-T.
Other names: short protein forms A762T.
Identifiers: ClinVar variation 4738748 (VCV004738748.1).
Genomic context (GRCh38, chr17:82,088,989, plus strand): 5'-CCCAGGCTCCCGGCGCCTGCTGCCCCCAGGCTGGGCCTACCTGCAGCAGGGCGTGGGGCG[C>T]GATCTCCAGCACCACCGCGTGCTCAGGCACGTGCCACAGGGCCTCCTGGAACAGCACAGG-3'
Protein context (NP_004095.4, residues 752-772): VPEHAVVLEI[Ala762Thr]PHALLQAVLK

ClinVar aggregate classification (germline): Uncertain significance (1 of 4 stars; one submission).

Conditions:
Epileptic encephalopathy. Identifiers: MedGen C0543888, HP:0200134.

Submission:

Labcorp Genetics (formerly Invitae), Labcorp
Classification: Uncertain significance for Epileptic encephalopathy. Last evaluated: 2025-11-03. Review status: criteria provided, single submitter. Criteria: Invitae Variant Classification Sherloc (09022015). Collection method: clinical testing. Allele origin: germline.
Comment: This sequence change replaces alanine, which is neutral and non-polar, with threonine, which is neutral and polar, at codon 762 of the FASN protein (p.Ala762Thr). This variant is not present in population databases (gnomAD no frequency). This variant has not been reported in the literature in individuals affected with FASN-related conditions. An algorithm developed to predict the effect of missense changes on protein structure and function (PolyPhen-2) suggests that this variant is likely to be disruptive. In summary, the available evidence is currently insufficient to determine the role of this variant in disease. Therefore, it has been classified as a Variant of Uncertain Significance.